The following is an entry in ClinVar:

NM_001292063.2(OTOG):c.7423G>C (p.Gly2475Arg)

Gene: OTOG (otogelin; plus strand). Cytogenetic location: 11p15.1.
Variant type: single nucleotide variant.
Coding change: c.7423G>C on transcript NM_001292063.2 (MANE Select); coding-DNA position 7423, G replaced by C.
Protein change: p.Gly2475Arg; replaces glycine 2475 with arginine.
Molecular consequence: missense variant.
Genome position (GRCh38, 1-based): chr11:17,634,224, G>C. VCF-style: chr11-17634224-G-C. GRCh37 (hg19) VCF-style: chr11-17655771-G-C.
Other names: c.7459G>C, p.Gly2487Arg (NM_001277269.2); short protein forms G2487R, G2475R.
Identifiers: ClinVar variation 504965 (VCV000504965.9), dbSNP rs771765463, ClinGen allele CA379812227.
Genomic context (GRCh38, chr11:17,634,224, plus strand): 5'-ACCATTGTCCCGGTGGATCTGGGCTGCCCCAGTCCCCGCCCTGAGAGCTGCCTGCGATTC[G>C]GGGAGGTGGCCTTGCTCCTACCCACCAAGGACCCCTGCTGCCTGGGGACTGTCTGTGGTG-3'
Protein context (NP_001278992.1, residues 2465-2485): SPRPESCLRF[Gly2475Arg]EVALLLPTKD

ClinVar aggregate classification (germline): Uncertain significance. Review status: criteria provided, multiple submitters, no conflicts (2 of 4 stars). 2 submissions from 2 submitters: Uncertain significance (2). Last evaluated 2022-06-03.

Allele frequency attached by ClinVar (database versions not stated): gnomAD exomes 0.00001.
gnomAD v4.1: 5 of 1,550,486 alleles (0.00032%); highest among the groups gnomAD compares: East Asian, 0.0049%; no homozygotes.

Submissions (2):

Labcorp Genetics (formerly Invitae), Labcorp
Classification: Uncertain significance. Last evaluated: 2022-06-03. Review status: criteria provided, single submitter. Criteria: Invitae Variant Classification Sherloc (09022015). Collection method: clinical testing. Allele origin: germline.
Comment: In summary, the available evidence is currently insufficient to determine the role of this variant in disease. Therefore, it has been classified as a Variant of Uncertain Significance. Algorithms developed to predict the effect of missense changes on protein structure and function are either unavailable or do not agree on the potential impact of this missense change (SIFT: "Deleterious"; PolyPhen-2: "Probably Damaging"; Align-GVGD: "Class C0"). ClinVar contains an entry for this variant (Variation ID: 504965). This variant has not been reported in the literature in individuals affected with OTOG-related conditions. This variant is present in population databases (no rsID available, gnomAD 0.02%). This sequence change replaces glycine, which is neutral and non-polar, with arginine, which is basic and polar, at codon 2487 of the OTOG protein (p.Gly2487Arg).

Laboratory for Molecular Medicine, Mass General Brigham Personalized Medicine
Classification: Uncertain significance. Last evaluated: 2016-04-18. Review status: criteria provided, single submitter. Criteria: LMM Criteria. Collection method: clinical testing. Allele origin: germline. Observed: 1 variant allele.
Comment: The p.Gly2487Arg variant in OTOG has not been previously in individuals with hea ring loss. Data from large population studies is insufficient to assess the freq uency of this variant. Computational prediction tools and conservation analyses suggest that this variant may impact the protein, though this information is not predictive enough to determine pathogenicity. In summary, the clinical signific ance of the p.Gly2487Arg variant is uncertain.